The following is an entry in ClinVar:

NC_000002.11:g.(?_228566865)_(228567034_?)dup

Gene: SLC19A3 (solute carrier family 19 member 3; minus strand). Cytogenetic location: 2q36.3.
Variant type: Duplication.
Identifiers: ClinVar variation 2426933 (VCV002426933.2).

ClinVar aggregate classification (germline): Uncertain significance (1 of 4 stars; one submission).

Conditions:
Biotin-responsive basal ganglia disease (BTBGD). Also called: thiamine-responsive encephalopathy; Thiamine metabolism dysfunction syndrome type 2; Thiamine Transporter-2 Deficiency; Thiamine metabolism dysfunction syndrome 2 (biotin- or thiamine-responsive encephalopathy type 2); THIAMINE METABOLISM DYSFUNCTION SYNDROME 2 (BIOTIN- AND THIAMINE-RESPONSIVE TYPE). Identifiers: Orphanet 199348, Orphanet 65284, MedGen C1843807, MONDO:0011841, OMIM 607483.

Submission:

Labcorp Genetics (formerly Invitae), Labcorp
Classification: Uncertain significance for Biotin-responsive basal ganglia disease. Last evaluated: 2021-12-24. Review status: criteria provided, single submitter. Criteria: Invitae Variant Classification Sherloc (09022015). Collection method: clinical testing. Allele origin: germline.
Comment: This variant results in a copy number gain of the genomic region encompassing exon(s) 2 of the SLC19A3 gene. This region includes the initiator codon of the gene. This copy number gain extends beyond the assayed region for this gene and therefore may encompass additional genes. As the precise location of this event is unknown, it may be in tandem or it may be located elsewhere in the genome. This variant has not been reported in the literature in individuals affected with SLC19A3-related conditions. Experimental studies and prediction algorithms are not available or were not evaluated, and the functional significance of this variant is currently unknown. In summary, the available evidence is currently insufficient to determine the role of this variant in disease. Therefore, it has been classified as a Variant of Uncertain Significance.